The following is an entry in ClinVar:

NM_000083.3(CLCN1):c.1613A>C (p.His538Pro)

Gene: CLCN1 (chloride voltage-gated channel 1; plus strand). Cytogenetic location: 7q34.
Variant type: single nucleotide variant.
Coding change: c.1613A>C on transcript NM_000083.3 (MANE Select); coding-DNA position 1613, A replaced by C.
Protein change: p.His538Pro; replaces histidine 538 with proline.
Molecular consequence: missense variant. On other transcripts: non-coding transcript variant (1).
Genome position (GRCh38, 1-based): chr7:143,341,959, A>C. VCF-style: chr7-143341959-A-C. GRCh37 (hg19) VCF-style: chr7-143039052-A-C.
Other names: short protein forms H538P.
Identifiers: ClinVar variation 2584978 (VCV002584978.1), dbSNP rs2487089968, ClinGen allele CA369646399.

ClinVar aggregate classification (germline): Uncertain significance (1 of 4 stars; one submission).

Conditions:
Congenital myotonia, autosomal recessive form. Also called: Becker Generalized Myotonia; myotonia congenita, autosomal recessive; BECKER DISEASE. Identifiers: Orphanet 614, MedGen C0751360, MONDO:0009715, OMIM 255700.

Submission:

Neuberg Centre For Genomic Medicine, NCGM
Classification: Uncertain significance for Congenital myotonia, autosomal recessive form. Review status: criteria provided, single submitter. Criteria: ACMG Guidelines, 2015. Collection method: clinical testing. Allele origin: germline. Inheritance: Autosomal recessive inheritance. Affected: yes.
Comment: The missense variant c.1613A>C (p.His538Pro) in CLCN1 gene has not been reported previously as a pathogenic variant nor as a benign variant, to our knowledge. The p.His538Pro variant is novel (not in any individuals) in gnomAD exomes and 1000 Genomes. This variant has not been reported to the ClinVar database. The amino acid His at position 538 is changed to a Pro changing protein sequence and it might alter its composition and physico-chemical properties. The variant is predicted to be damaging by both SIFT and PolyPhen2. The residue is conserved across species. For these reasons, this variant has been classified as Uncertain Significance (VUS).